The following is an entry in ClinVar:

NM_182643.3(DLC1):c.1732C>A (p.Pro578Thr)

Gene: DLC1 (DLC1 Rho GTPase activating protein; minus strand). Cytogenetic location: 8p22.
Variant type: single nucleotide variant.
Coding change: c.1732C>A on transcript NM_182643.3 (MANE Select); coding-DNA position 1732, C replaced by A.
Protein change: p.Pro578Thr; replaces proline 578 with threonine.
Molecular consequence: missense variant.
Genome position (GRCh38, 1-based): chr8:13,100,605, G>T on the plus strand (C>A on the coding strand, the complement: DLC1 is on the minus strand). VCF-style: chr8-13100605-G-T. GRCh37 (hg19) VCF-style: chr8-12958114-G-T.
Other names: c.199C>A, p.Pro67Thr (NM_001164271.2, NM_001348082.2, NM_001348083.1 and 6 more transcripts); c.523C>A, p.Pro175Thr (NM_001316668.2, NM_001413129.1); c.1732C>A, p.Pro578Thr (NM_001348081.2, NM_001413124.1); c.172C>A, p.Pro58Thr (NM_001413137.1, NM_001413131.1); c.421C>A, p.Pro141Thr (NM_001413139.1, NM_006094.5, NM_001413135.1 and 1 more transcripts); c.556C>A, p.Pro186Thr (NM_001413140.1); c.514C>A, p.Pro172Thr (NM_001413130.1); c.658C>A, p.Pro220Thr (NM_001413132.1); short protein forms P172T, P220T, P578T, P141T, P175T, P58T, P186T, P67T.
Identifiers: ClinVar variation 2870830 (VCV002870830.4), dbSNP rs776252355, ClinGen allele CA4638830.

ClinVar aggregate classification (germline): Uncertain significance. Review status: criteria provided, multiple submitters, no conflicts (2 of 4 stars). 2 submissions from 2 submitters: Uncertain significance (2). Last evaluated 2025-02-24.

Conditions:
Colorectal cancer. Also called: Colorectal cancer, somatic; Malignant Colorectal Neoplasm. Identifiers: MedGen C0346629, MONDO:0005575, OMIM 114500.

Allele frequency attached by ClinVar (database versions not stated): ExAC 0.00001; TOPMed 0.00002.
gnomAD v4.1: 5 of 1,614,078 alleles (0.00031%); highest among the groups gnomAD compares: Admixed American, 0.0083%; no homozygotes.

Submissions (2):

Labcorp Genetics (formerly Invitae), Labcorp
Classification: Uncertain significance. Last evaluated: 2025-02-24. Review status: criteria provided, single submitter. Criteria: Invitae Variant Classification Sherloc (09022015). Collection method: clinical testing. Allele origin: germline.
Comment: This sequence change replaces proline, which is neutral and non-polar, with threonine, which is neutral and polar, at codon 578 of the DLC1 protein (p.Pro578Thr). This variant is present in population databases (rs776252355, gnomAD 0.01%). This variant has not been reported in the literature in individuals affected with DLC1-related conditions. ClinVar contains an entry for this variant (Variation ID: 2870830). An algorithm developed to predict the effect of missense changes on protein structure and function (PolyPhen-2) suggests that this variant is likely to be tolerated. In summary, the available evidence is currently insufficient to determine the role of this variant in disease. Therefore, it has been classified as a Variant of Uncertain Significance.

Fulgent Genetics
Classification: Uncertain significance for Colorectal cancer. Last evaluated: 2023-12-21. Review status: criteria provided, single submitter. Criteria: ACMG Guidelines, 2015. Collection method: clinical testing. Allele origin: germline.